The following is an entry in ClinVar:

ClinVar aggregate classification (germline): Uncertain significance (1 of 4 stars; one submission).

Conditions:
Intellectual developmental disorder with language impairment and early-onset DOPA-responsive dystonia-parkinsonism (IDLDP). Identifiers: Orphanet 660017, MedGen C5677001, MONDO:0859257, OMIM 619911.

Submission:

Victorian Clinical Genetics Services, Murdoch Childrens Research Institute
Classification: Uncertain significance for Intellectual developmental disorder with language impairment and early-onset DOPA-responsive dystonia-parkinsonism. Last evaluated: 2026-03-05. Review status: criteria provided, single submitter. Criteria: ACMG Guidelines, 2015. Collection method: clinical testing. Allele origin: germline. Affected: yes.
Comment: This variant is classified as VUS-3B. Evidence in support of pathogenic classification: Variant is absent from gnomAD (v2, v3 and v4). Additional information: Variant is predicted to result in a missense amino acid change from Gly to Ser; This variant is heterozygous; This gene is associated with autosomal dominant disease; Alternative amino acid change(s) at the same position are present in gnomAD (highest allele count: v4: 3 heterozygote(s), 0 homozygote(s)); This variant has no previous evidence of pathogenicity; No published evidence of segregation with disease has been identified for this variant; No published functional evidence has been identified for this variant; No comparable missense variants have previous evidence for pathogenicity; Variant is not located in an established domain, motif, hotspot or informative constraint region; Missense variant with inconclusive in silico prediction and/or uninformative conservation; Loss of function is a likely mechanism of disease in this gene and is associated with intellectual developmental disorder with language impairment and early-onset DOPA-responsive dystonia-parkinsonism (MIM#619911) (OMIM); Variants in this gene are known to have variable expressivity. Phenotypic heterogeneity and the highly variable severity have been reported in affected patients (OMIM). Diverse phenotypes can be caused by the same mutation (PMID: 33585677); Inheritance information for this variant is not currently available in this individual.

Literature cited by the submitters: PubMed 33585677.

NM_006186.4(NR4A2):c.700G>A (p.Gly234Ser)

Gene: NR4A2 (nuclear receptor subfamily 4 group A member 2; minus strand). Cytogenetic location: 2q24.1.
Variant type: single nucleotide variant.
Coding change: c.700G>A on transcript NM_006186.4 (MANE Select); coding-DNA position 700, G replaced by A.
Protein change: p.Gly234Ser; replaces glycine 234 with serine.
Molecular consequence: missense variant.
Genome position (GRCh38, 1-based): chr2:156,329,487, C>T on the plus strand (G>A on the coding strand, the complement: NR4A2 is on the minus strand). VCF-style: chr2-156329487-C-T. GRCh37 (hg19) VCF-style: chr2-157185999-C-T.
Other names: c.511G>A, p.Gly171Ser (NM_173173.3); short protein forms G171S, G234S.
Identifiers: ClinVar variation 4845333 (VCV004845333.2).